The following is an entry in ClinVar:

NM_000209.4(PDX1):c.274C>T (p.Leu92Phe)

Gene: PDX1 (pancreatic and duodenal homeobox 1; plus strand). Cytogenetic location: 13q12.2.
Variant type: single nucleotide variant.
Coding change: c.274C>T on transcript NM_000209.4 (MANE Select); coding-DNA position 274, C replaced by T.
Protein change: p.Leu92Phe; replaces leucine 92 with phenylalanine.
Molecular consequence: missense variant.
Genome position (GRCh38, 1-based): chr13:27,920,412, C>T. VCF-style: chr13-27920412-C-T. GRCh37 (hg19) VCF-style: chr13-28494549-C-T.
Other names: c.274C>T (NM_000209.3); short protein forms L92F.
Identifiers: ClinVar variation 1801838 (VCV001801838.2), dbSNP rs1179554814, ClinGen allele CA387644771.

ClinVar aggregate classification (germline): Uncertain significance/Uncertain risk allele. Review status: criteria provided, multiple submitters, no conflicts (2 of 4 stars). 2 submissions from 2 submitters: Uncertain significance (1); Uncertain risk allele (1). Last evaluated 2025-02-10.

Conditions:
Pancreatic hypoplasia. Identifiers: MedGen C0266267, HP:0002594.
Maturity-onset diabetes of the young (MODY). Also called: Maturity onset diabetes mellitus in young. Identifiers: Orphanet 552, MedGen C0342276, MONDO:0018911, HP:0004904.

Allele frequency attached by ClinVar (database versions not stated): gnomAD exomes below 0.00001; gnomAD 0.00002; TOPMed 0.00002.

Submissions (2):

Ambry Genetics
Classification: Uncertain significance for Maturity-onset diabetes of the young. Last evaluated: 2025-02-10. Review status: criteria provided, single submitter. Criteria: Ambry Variant Classification Scheme 2023. Collection method: clinical testing. Allele origin: germline.
Comment: The p.L92F variant (also known as c.274C>T), located in coding exon 1 of the PDX1 gene, results from a C to T substitution at nucleotide position 274. The leucine at codon 92 is replaced by phenylalanine, an amino acid with highly similar properties. This variant has been reported in a young onset diabetes cohort (Chapla A et al. Clin Endocrinol (Oxf), 2015 Apr;82:533-42). This amino acid position is not well conserved in available vertebrate species. In addition, this alteration is predicted to be tolerated by in silico analysis. Based on the available evidence, the clinical significance of this variant remains unclear.

Clinical Genomics, Uppaluri K&H Personalized Medicine Clinic
Classification: Uncertain risk allele for Pancreatic hypoplasia. Review status: criteria provided, single submitter. Criteria: K & H Uppaluri Personalized Medicine Clinic Variant Classification & Assertion Criteria_Updated V.1. Collection method: research. Allele origin: unknown. Inheritance: Autosomal recessive inheritance.
Comment: Potent homozygous mutations in the PDX1 gene can lead to pancreatic agenesis/pancreatic hypoplasia and neonatal diabetes mellitus. However no sufficient evidence is found to ascertain the role of this particular variant rs1179554814, yet.

Literature cited by the submitters: PubMed 25041077 (cited by Ambry Genetics); PubMed 31366392 (cited by Clinical Genomics, Uppaluri K&H Personalized Medicine Clinic); PubMed 19855005 (cited by Clinical Genomics, Uppaluri K&H Personalized Medicine Clinic); PubMed 29396371 (cited by Clinical Genomics, Uppaluri K&H Personalized Medicine Clinic); PubMed 28436541 (cited by Clinical Genomics, Uppaluri K&H Personalized Medicine Clinic); PubMed 27386488 (cited by Clinical Genomics, Uppaluri K&H Personalized Medicine Clinic); PubMed 19817786 (cited by Clinical Genomics, Uppaluri K&H Personalized Medicine Clinic).